The following is an entry in ClinVar:

ClinVar aggregate classification (germline): Uncertain significance. Review status: criteria provided, multiple submitters, no conflicts (2 of 4 stars). 4 submissions from 4 submitters: Uncertain significance (4). Last evaluated 2026-01-28.

Conditions:
Global developmental delay - lung cysts - overgrowth - Wilms tumor syndrome. Also called: GLOW Syndrome; GLOBAL DEVELOPMENTAL DELAY, LUNG CYSTS, OVERGROWTH, AND WILMS TUMOR. Identifiers: Orphanet 404476, MedGen C4748924, MONDO:0018445, OMIM 618272.
DICER1-related tumor predisposition. Also called: DICER1-related pleuropulmonary blastoma cancer predisposition syndrome; DICER1 syndrome. Identifiers: Orphanet 284343, MedGen C3839822, MONDO:0100216.
Hereditary cancer-predisposing syndrome. Also called: Tumor predisposition; Neoplastic Syndromes, Hereditary; Hereditary Cancer Syndrome; Hereditary neoplastic syndrome. Identifiers: Orphanet 140162, MedGen C0027672, MeSH D009386, MONDO:0015356.

Allele frequency attached by ClinVar (database versions not stated): gnomAD below 0.00001 and 0.00001; gnomAD exomes 0.00001.
gnomAD v4.1: 11 of 1,613,818 alleles (0.00068%); highest among the groups gnomAD compares: Admixed American, 0.005%; no homozygotes.

Submissions (4):

Labcorp Genetics (formerly Invitae), Labcorp
Classification: Uncertain significance for DICER1-related tumor predisposition. Last evaluated: 2026-01-28. Review status: criteria provided, single submitter. Criteria: Invitae Variant Classification Sherloc (09022015). Collection method: clinical testing. Allele origin: germline.
Comment: This sequence change replaces arginine, which is basic and polar, with cysteine, which is neutral and slightly polar, at codon 1358 of the DICER1 protein (p.Arg1358Cys). This variant is present in population databases (no rsID available, gnomAD 0.009%). This variant has not been reported in the literature in individuals affected with DICER1-related conditions. ClinVar contains an entry for this variant (Variation ID: 479650). Invitae Evidence Modeling of protein sequence and biophysical properties (such as structural, functional, and spatial information, amino acid conservation, physicochemical variation, residue mobility, and thermodynamic stability) has been performed for this missense variant. However, the output from this modeling did not meet the statistical confidence thresholds required to predict the impact of this variant on DICER1 protein function. In summary, the available evidence is currently insufficient to determine the role of this variant in disease. Therefore, it has been classified as a Variant of Uncertain Significance.

Ambry Genetics
Classification: Uncertain significance for Hereditary cancer-predisposing syndrome. Last evaluated: 2025-07-03. Review status: criteria provided, single submitter. Criteria: Ambry Variant Classification Scheme 2023. Collection method: clinical testing. Allele origin: germline.
Comment: The p.R1358C variant (also known as c.4072C>T), located in coding exon 21 of the DICER1 gene, results from a C to T substitution at nucleotide position 4072. The arginine at codon 1358 is replaced by cysteine, an amino acid with highly dissimilar properties. This amino acid position is highly conserved in available vertebrate species. In addition, this alteration is predicted to be deleterious by in silico analysis. Since supporting evidence is limited at this time, the clinical significance of this alteration remains unclear.

Baylor Genetics
Classification: Uncertain significance for Global developmental delay - lung cysts - overgrowth - Wilms tumor syndrome. Last evaluated: 2023-09-14. Review status: criteria provided, single submitter. Criteria: ACMG Guidelines, 2015. Collection method: clinical testing. Allele origin: unknown.

Quest Diagnostics Nichols Institute San Juan Capistrano
Classification: Uncertain significance. Last evaluated: 2022-10-07. Review status: criteria provided, single submitter. Criteria: Quest Diagnostics criteria. Collection method: clinical testing. Allele origin: unknown.
Comment: The variant has not been reported in the published literature. The frequency of this variant in the general population, 0.000087 (3/34584 chromosomes), is uninformative in assessment of its pathogenicity. Analysis of this variant using bioinformatics tools for the prediction of the effect of amino acid changes on protein structure and function yielded predictions that this variant is damaging. Based on the available information, we are unable to determine the clinical significance of this variant.

NM_177438.3(DICER1):c.4072C>T (p.Arg1358Cys)

Gene: DICER1 (dicer 1, ribonuclease III; minus strand). Cytogenetic location: 14q32.13.
Variant type: single nucleotide variant.
Coding change: c.4072C>T on transcript NM_177438.3 (MANE Select); coding-DNA position 4072, C replaced by T.
Protein change: p.Arg1358Cys; replaces arginine 1358 with cysteine.
Molecular consequence: missense variant.
Genome position (GRCh38, 1-based): chr14:95,099,914, G>A on the plus strand (C>T on the coding strand, the complement: DICER1 is on the minus strand). VCF-style: chr14-95099914-G-A. GRCh37 (hg19) VCF-style: chr14-95566251-G-A.
Other names: c.4072C>T, p.Arg1358Cys (NM_001195573.1, NM_001271282.3, NM_001291628.2 and 1 more transcripts); short protein forms R1358C.
Identifiers: ClinVar variation 479650 (VCV000479650.16), dbSNP rs1185001854, ClinGen allele CA390872257.